The following is an entry in ClinVar:

NM_194454.3(KRIT1):c.1411+1G>A

Gene: KRIT1 (KRIT1 ankyrin repeat containing; minus strand). Cytogenetic location: 7q21.2.
Variant type: single nucleotide variant.
Coding change: c.1411+1G>A on transcript NM_194454.3 (MANE Select); the canonical splice donor site of the intron after coding-DNA position 1411, G replaced by A.
Molecular consequence: splice donor variant.
Genome position (GRCh38, 1-based): chr7:92,222,821, C>T on the plus strand (G>A on the coding strand, the complement: KRIT1 is on the minus strand). VCF-style: chr7-92222821-C-T. GRCh37 (hg19) VCF-style: chr7-91852135-C-T.
Other names: c.1411+1G>A (NM_001350672.1, NM_001350676.1, NM_001350673.1 and 26 more transcripts); c.1267+1G>A (NM_001350669.1, NM_001013406.2, NM_001350670.1); c.697+1G>A (NM_001350671.1).
Identifiers: ClinVar variation 3778730 (VCV003778730.1).
Genomic context (GRCh38, chr7:92,222,821, plus strand): 5'-ACCAACCCACTCCCAAAAAGGAATAATGAGGTTTACTATAACATAATAAAAACTTTCTTA[C>T]TGAGGTTTTCTGAACAAATCCATATAGTGAAATATTGCTGAGTTTCTTGAGAGAGACGCA-3'

ClinVar aggregate classification (germline): Likely pathogenic (1 of 4 stars; one submission).

Conditions:
Cerebral cavernous malformation (CCM). Also called: CAVERNOUS ANGIOMA, FAMILIAL; CAVERNOUS ANGIOMATOUS MALFORMATIONS; Cerebral cavernous hemangioma (type); Cerebral cavernous malformations; Cavernous Hemangioma of Brain; CEREBRAL CAPILLARY MALFORMATIONS. Identifiers: Orphanet 221061, MedGen C2919945, MONDO:0000820, OMIM 116860, HP:0033522.

gnomAD v4.1: 1 of 1,591,000 alleles (0.000063%); highest among the groups gnomAD compares: Non-Finnish European, 0.000086%; no homozygotes.

Submission:

Institute of Human Genetics, University of Leipzig Medical Center
Classification: Likely pathogenic for Cerebral cavernous malformation. Last evaluated: 2025-03-18. Review status: criteria provided, single submitter. Criteria: ACMG Guidelines, 2015. Collection method: clinical testing. Allele origin: unknown. Inheritance: Autosomal dominant inheritance. Affected: yes.
Comment: Criteria applied: PVS1,PM2_SUP